The following is an entry in ClinVar:

NM_002332.3(LRP1):c.9718_9721del (p.Phe3240fs)

Gene: LRP1 (LDL receptor related protein 1; plus strand). Cytogenetic location: 12q13.3.
Variant type: Deletion.
Coding change: c.9718_9721del on transcript NM_002332.3 (MANE Select); coding-DNA positions 9718 to 9721, 4 bases deleted (TTTG; older notation c.9718_9721delTTTG).
Protein change: p.Phe3240fs; shifts the reading frame from phenylalanine 3240.
Molecular consequence: frameshift variant.
Genome position (GRCh38, 1-based): chr12:57,199,253-57,199,256, TTTG deleted; deleting any 4 consecutive bases within chr12:57,199,251-57,199,256 gives the same sequence; the c. name uses the placement nearest the transcript's 3' end. VCF-style (leftmost placement, unchanged base first): chr12-57199250-CTGTT-C. GRCh37 (hg19) VCF-style: chr12-57593033-CTGTT-C.
Other names: short protein forms F3240fs.
Identifiers: ClinVar variation 4975186 (VCV004975186.1).
Genomic context (GRCh38, chr12:57,199,250, plus strand): 5'-TGCCTGCCCCTTGGCCCTGCAGTGCTGAGCCAGGACATCCCGCACATCTTTGCACTGACC[CTGTT>C]TGAGGACTACGTCTACTGGACCGACTGGGAAACAAAGTCCATTAACCGAGCCCACAAGAC-3'

ClinVar aggregate classification (germline): Uncertain significance (1 of 4 stars; one submission).

Submission:

GeneDx
Classification: Uncertain significance. Last evaluated: 2025-09-10. Review status: criteria provided, single submitter. Criteria: GeneDx Variant Classification Process June 2021. Collection method: clinical testing. Allele origin: germline.
Comment: Not observed at significant frequency in large population cohorts (gnomAD); Frameshift variant predicted to result in protein truncation or nonsense mediated decay in a gene or region of a gene for which loss of function is not a well-established mechanism of disease; Has not been previously published as pathogenic or benign to our knowledge; Variants in candidate genes are classified as variants of uncertain significance in accordance with ACMG guidelines (PMID: 25741868)